The following is an entry in ClinVar:

NM_031229.4(RBCK1):c.1258_1259dup (p.Arg421fs)

Gene: RBCK1 (RANBP2-type and C3HC4-type zinc finger containing 1; plus strand). Cytogenetic location: 20p13.
Variant type: Duplication.
Coding change: c.1258_1259dup on transcript NM_031229.4 (MANE Select); coding-DNA positions 1258 to 1259, 2 bases duplicated (CT; older notation c.1258_1259dupCT).
Protein change: p.Arg421fs; shifts the reading frame from arginine 421.
Molecular consequence: frameshift variant. On other transcripts: non-coding transcript variant (1).
Genome position (GRCh38, 1-based): chr20:428,539-428,540, CT duplicated. VCF-style (leftmost placement, unchanged base first): chr20-428538-C-CCT. GRCh37 (hg19) VCF-style: chr20-409182-C-CCT.
Other names: c.748_749dup, p.Arg251fs (NM_001323956.2, NM_001323958.2); c.1132_1133dup, p.Arg379fs (NM_006462.6); short protein forms R251fs, R379fs, R421fs.
Identifiers: ClinVar variation 1163637 (VCV001163637.10), dbSNP rs2122333654, ClinGen allele CA2499225751.

ClinVar aggregate classification (germline): Pathogenic/Likely pathogenic. Review status: criteria provided, multiple submitters, no conflicts (2 of 4 stars). 2 submissions from 2 submitters: Pathogenic (1); Likely pathogenic (1). Last evaluated 2021-10-24.

Conditions:
Polyglucosan body myopathy type 1 (PGBM1). Also called: Polyglucosan body myopathy 1 with or without immunodeficiency; POLYGLUCOSAN BODY MYOPATHY WITHOUT IMMUNODEFICIENCY. Identifiers: Orphanet 329173, Orphanet 397937, MedGen C4014605, MONDO:0014389, OMIM 615895.

Submissions (2):

Labcorp Genetics (formerly Invitae), Labcorp
Classification: Pathogenic for Polyglucosan body myopathy type 1. Last evaluated: 2021-10-24. Review status: criteria provided, single submitter. Criteria: Invitae Variant Classification Sherloc (09022015). Collection method: clinical testing. Allele origin: germline.
Comment: For these reasons, this variant has been classified as Pathogenic. ClinVar contains an entry for this variant (Variation ID: 1163637). This variant has not been reported in the literature in individuals affected with RBCK1-related conditions. This variant is not present in population databases (ExAC no frequency). This sequence change creates a premature translational stop signal (p.Arg421Cysfs*16) in the RBCK1 gene. It is expected to result in an absent or disrupted protein product. Loss-of-function variants in RBCK1 are known to be pathogenic (PMID: 2379848, 23104095, 23889995).

Mayo Clinic Laboratories, Mayo Clinic
Classification: Likely pathogenic. Last evaluated: 2020-10-20. Review status: criteria provided, single submitter. Criteria: ACMG Guidelines, 2015. Collection method: clinical testing. Allele origin: germline. Observed: 1 variant allele.
Comment: PVS1, PM2_supporting

Literature cited by the submitters: PubMed 2379848 (cited by Labcorp Genetics (formerly Invitae), Labcorp); PubMed 23104095 (cited by Labcorp Genetics (formerly Invitae), Labcorp); PubMed 23889995 (cited by Labcorp Genetics (formerly Invitae), Labcorp).